The following is an entry in ClinVar:

ClinVar aggregate classification (germline): Uncertain significance (1 of 4 stars; one submission).

Conditions:
Hereditary cancer-predisposing syndrome. Also called: Neoplastic Syndromes, Hereditary; Tumor predisposition; Hereditary neoplastic syndrome; Hereditary Cancer Syndrome. Identifiers: Orphanet 140162, MedGen C0027672, MeSH D009386, MONDO:0015356.
Cardiovascular phenotype. Identifiers: MedGen CN230736.

Submission:

Ambry Genetics
Classification: Uncertain significance for Cardiovascular phenotype; Hereditary cancer-predisposing syndrome. Last evaluated: 2019-03-19. Review status: criteria provided, single submitter. Criteria: Ambry Variant Classification Scheme 2023. Collection method: clinical testing. Allele origin: germline.
Comment: The p.D2012E variant (also known as c.6036T>A), located in coding exon 40 of the NF1 gene, results from a T to A substitution at nucleotide position 6036. The aspartic acid at codon 2012 is replaced by glutamic acid, an amino acid with highly similar properties. This amino acid position is highly conserved in available vertebrate species. In addition, this alteration is predicted to be deleterious by in silico analysis. Since supporting evidence is limited at this time, the clinical significance of this alteration remains unclear.

NM_001042492.3(NF1):c.6099T>A (p.Asp2033Glu)

Gene: NF1 (neurofibromin 1; plus strand). Cytogenetic location: 17q11.2.
Variant type: single nucleotide variant.
Coding change: c.6099T>A on transcript NM_001042492.3 (MANE Select); coding-DNA position 6099, T replaced by A.
Protein change: p.Asp2033Glu; replaces aspartic acid 2033 with glutamic acid.
Molecular consequence: missense variant.
Genome position (GRCh38, 1-based): chr17:31,336,425, T>A. VCF-style: chr17-31336425-T-A. GRCh37 (hg19) VCF-style: chr17-29663443-T-A.
Other names: c.6036T>A, p.Asp2012Glu (NM_000267.4); short protein forms D2012E, D2033E.
Identifiers: ClinVar variation 826148 (VCV000826148.4), dbSNP rs1597842300, ClinGen allele CA399011352.